The following is an entry in ClinVar:

NM_005901.6(SMAD2):c.1174G>A (p.Ala392Thr)

Gene: SMAD2 (SMAD family member 2; minus strand). Cytogenetic location: 18q21.1.
Variant type: single nucleotide variant.
Coding change: c.1174G>A on transcript NM_005901.6 (MANE Select); coding-DNA position 1174, G replaced by A.
Protein change: p.Ala392Thr; replaces alanine 392 with threonine.
Molecular consequence: missense variant.
Genome position (GRCh38, 1-based): chr18:47,845,446, C>T on the plus strand (G>A on the coding strand, the complement: SMAD2 is on the minus strand). VCF-style: chr18-47845446-C-T. GRCh37 (hg19) VCF-style: chr18-45371817-C-T.
Other names: c.1174G>A (NM_005901.4); c.1174G>A, p.Ala392Thr (NM_001003652.4); c.1084G>A, p.Ala362Thr (NM_001135937.3); short protein forms A362T, A392T.
Identifiers: ClinVar variation 1704672 (VCV001704672.7), dbSNP rs2144287966, ClinGen allele CA402503790.

ClinVar aggregate classification (germline): Uncertain significance. Review status: criteria provided, multiple submitters, no conflicts (2 of 4 stars). 3 submissions from 3 submitters: Uncertain significance (3). Last evaluated 2026-08-31.

Conditions:
Inborn genetic diseases. Identifiers: MedGen C0950123, MeSH D030342.

Allele frequency attached by ClinVar (database versions not stated): gnomAD exomes below 0.00001.

Submissions (3):

Ambry Genetics
Classification: Uncertain significance for Inborn genetic diseases. Last evaluated: 2026-08-31. Review status: criteria provided, single submitter. Criteria: Ambry Variant Classification Scheme 2023. Collection method: clinical testing. Allele origin: germline.
Comment: The p.A392T variant (also known as c.1174G>A), located in coding exon 9 of the SMAD2 gene, results from a G to A substitution at nucleotide position 1174. The alanine at codon 392 is replaced by threonine, an amino acid with similar properties. This amino acid position is conserved. In addition, this alteration is predicted to be deleterious by in silico analysis. Based on the available evidence, the clinical significance of this variant remains unclear.

GeneDx
Classification: Uncertain significance. Last evaluated: 2024-03-04. Review status: criteria provided, single submitter. Criteria: GeneDx Variant Classification Process June 2021. Collection method: clinical testing. Allele origin: germline. Affected: yes.
Comment: Not observed at significant frequency in large population cohorts (gnomAD); In silico analysis supports that this missense variant does not alter protein structure/function; Has not been previously published as pathogenic or benign to our knowledge

Labcorp Genetics (formerly Invitae), Labcorp
Classification: Uncertain significance. Last evaluated: 2024-01-06. Review status: criteria provided, single submitter. Criteria: Invitae Variant Classification Sherloc (09022015). Collection method: clinical testing. Allele origin: germline.
Comment: This sequence change replaces alanine, which is neutral and non-polar, with threonine, which is neutral and polar, at codon 392 of the SMAD2 protein (p.Ala392Thr). This variant is not present in population databases (gnomAD no frequency). This variant has not been reported in the literature in individuals affected with SMAD2-related conditions. ClinVar contains an entry for this variant (Variation ID: 1704672). Advanced modeling of protein sequence and biophysical properties (such as structural, functional, and spatial information, amino acid conservation, physicochemical variation, residue mobility, and thermodynamic stability) performed at Invitae indicates that this missense variant is not expected to disrupt SMAD2 protein function with a negative predictive value of 80%. In summary, the available evidence is currently insufficient to determine the role of this variant in disease. Therefore, it has been classified as a Variant of Uncertain Significance.